The following is an entry in ClinVar:

NM_030665.4(RAI1):c.843G>A (p.Gln281=)

Gene: RAI1 (retinoic acid induced 1; plus strand). Cytogenetic location: 17p11.2.
Variant type: single nucleotide variant.
Coding change: c.843G>A on transcript NM_030665.4 (MANE Select); coding-DNA position 843, G replaced by A.
Protein change: p.Gln281=; no amino-acid change (glutamine 281 retained).
Molecular consequence: synonymous variant.
Genome position (GRCh38, 1-based): chr17:17,793,791, G>A. VCF-style: chr17-17793791-G-A. GRCh37 (hg19) VCF-style: chr17-17697105-G-A.
Identifiers: ClinVar variation 1568670 (VCV001568670.21), dbSNP rs748280748, ClinGen allele CA8418216.

ClinVar aggregate classification (germline): Likely benign. Review status: criteria provided, multiple submitters, no conflicts (2 of 4 stars). 2 submissions from 2 submitters: Likely benign (2). Last evaluated 2026-02-01.

Allele frequency attached by ClinVar (database versions not stated): gnomAD exomes 0.00001 and 0.00008; ExAC 0.00002.
gnomAD v4.1: 6 of 933,008 alleles (0.00064%); highest among the groups gnomAD compares: South Asian, 0.022%; no homozygotes.

Submissions (2):

CeGaT Center for Human Genetics Tuebingen
Classification: Likely benign. Last evaluated: 2026-02-01. Review status: criteria provided, single submitter. Criteria: CeGaT Center For Human Genetics Tuebingen Variant Classification Criteria Version 2. Collection method: clinical testing. Allele origin: germline. Affected: yes. Observed: 3 variant alleles.
Comment: RAI1: BP4, BP7

Labcorp Genetics (formerly Invitae), Labcorp
Classification: Likely benign. Last evaluated: 2026-01-12. Review status: criteria provided, single submitter. Criteria: Invitae Variant Classification Sherloc (09022015). Collection method: clinical testing. Allele origin: germline.